The following is an entry in ClinVar:

NM_000088.4(COL1A1):c.2139del (p.Ala714fs)

Gene: COL1A1 (collagen type I alpha 1 chain; minus strand). Cytogenetic location: 17q21.33.
Variant type: Deletion.
Coding change: c.2139del on transcript NM_000088.4 (MANE Select); coding-DNA position 2139, one base deleted (T; older notation c.2139delT).
Protein change: p.Ala714fs; shifts the reading frame from alanine 714.
Molecular consequence: frameshift variant.
Genome position (GRCh38, 1-based): chr17:50,191,479, A deleted on the plus strand (T on the coding strand, the reverse complement: COL1A1 is on the minus strand). VCF-style (leftmost placement, unchanged base first): chr17-50191478-CA-C. GRCh37 (hg19) VCF-style: chr17-48268839-CA-C.
Other names: c.2139delT (NM_000088.3); short protein forms A714fs.
Identifiers: ClinVar variation 456745 (VCV000456745.7), dbSNP rs1555573039, ClinGen allele CA658656707.
Genomic context (GRCh38, chr17:50,191,478, plus strand): 5'-CACGTTCACCAGGCATTCCCTGAAGGCCAGGGGCGCCCTGGCTACCGGGAGCTCCAGGGG[CA>C]CCAGCATCACCCTATGTGACAACCAAGAAGACTGGAGTGAGGCCTGGGGCCCCAAGAGTG-3'

ClinVar aggregate classification (germline): Pathogenic (1 of 4 stars; one submission).

Conditions:
Osteogenesis imperfecta type I (OI1). Also called: OI, TYPE I; OSTEOGENESIS IMPERFECTA TARDA; OSTEOGENESIS IMPERFECTA WITH BLUE SCLERAE; Osteogenesis imperfecta type 1; Lobstein's Disease; Lobstein disease. Identifiers: Orphanet 216796, Orphanet 666, MedGen C0023931, MONDO:0008146, OMIM 166200. Disease mechanism: loss of function.

Submission:

Labcorp Genetics (formerly Invitae), Labcorp
Classification: Pathogenic for Osteogenesis imperfecta type I. Last evaluated: 2025-12-08. Review status: criteria provided, single submitter. Criteria: Invitae Variant Classification Sherloc (09022015). Collection method: clinical testing. Allele origin: germline.
Comment: This sequence change creates a premature translational stop signal (p.Ala714Profs*52) in the COL1A1 gene. It is expected to result in an absent or disrupted protein product. Loss-of-function variants in COL1A1 are known to be pathogenic (PMID: 7942841, 9295084, 9443882). This variant is not present in population databases (gnomAD no frequency). This variant has not been reported in the literature in individuals affected with COL1A1-related conditions. ClinVar contains an entry for this variant (Variation ID: 456745). For these reasons, this variant has been classified as Pathogenic.

Literature cited by the submitters: PubMed 7942841; PubMed 9295084; PubMed 9443882.